The following is an entry in ClinVar:

ClinVar aggregate classification (germline): Pathogenic (1 of 4 stars; one submission).

Conditions:
Primary ciliary dyskinesia. Also called: Ciliary dyskinesia. Identifiers: Orphanet 244, MedGen C0008780, MONDO:0016575, HP:0012265.

Allele frequency attached by ClinVar (database versions not stated): gnomAD exomes 0.00001.

Submission:

Labcorp Genetics (formerly Invitae), Labcorp
Classification: Pathogenic for Primary ciliary dyskinesia. Last evaluated: 2015-03-19. Review status: criteria provided, single submitter. Criteria: Invitae Variant Classification Sherloc (09022015). Collection method: clinical testing. Allele origin: germline.
Comment: For these reasons, this variant has been classified as Pathogenic. While this particular sequence change has not been reported in the literature, truncating mutations in CCDC39 are known to be pathogenic (PMID: 23255504). This sequence change inserts 1 nucleotide in exon 12 of the CCDC39 mRNA (c.1644delT), causing a frameshift at codon 548. This creates a premature translational stop signal (p.Asp548Glufs*10) and is expected to result in an absent or disrupted protein product.

Literature cited by the submitters: PubMed 23255504.

NM_181426.2(CCDC39):c.1644del (p.Asp548fs)

Gene: CCDC39 (coiled-coil domain 39 molecular ruler complex subunit; minus strand). Cytogenetic location: 3q26.33.
Variant type: Deletion.
Coding change: c.1644del on transcript NM_181426.2 (MANE Select); coding-DNA position 1644, one base deleted (T; older notation c.1644delT).
Protein change: p.Asp548fs; shifts the reading frame from aspartic acid 548.
Molecular consequence: frameshift variant.
Genome position (GRCh38, 1-based): chr3:180,644,141, A deleted on the plus strand (T on the coding strand, the reverse complement: CCDC39 is on the minus strand). VCF-style (leftmost placement, unchanged base first): chr3-180644140-TA-T. GRCh37 (hg19) VCF-style: chr3-180361928-TA-T.
Other names: short protein forms D548fs.
Identifiers: ClinVar variation 216139 (VCV000216139.9), dbSNP rs863224531, ClinGen allele CA337101.
Genomic context (GRCh38, chr3:180,644,140, plus strand): 5'-ATGGTTTTCAATACTACATATGCATACAATTTTACTGCACCTGCTTAAAACCTTTGGCTT[TA>T]TCAAGTTCTTTCTCTGATCTGTCGATGAAAAGGTTTAGTTCATTTATTTTGGTCATAAGG-3'